The following is an entry in ClinVar:

NM_001040436.3(YARS2):c.1275-323A>G

Gene: YARS2 (tyrosyl-tRNA synthetase 2; minus strand). Cytogenetic location: 12p11.21.
Variant type: single nucleotide variant.
Coding change: c.1275-323A>G on transcript NM_001040436.3 (MANE Select); 323 bases into the intron before coding-DNA position 1275, A replaced by G.
Molecular consequence: intron variant.
Genome position (GRCh38, 1-based): chr12:32,747,686, T>C on the plus strand (A>G on the coding strand, the complement: YARS2 is on the minus strand). VCF-style: chr12-32747686-T-C. GRCh37 (hg19) VCF-style: chr12-32900620-T-C.
Identifiers: ClinVar variation 680849 (VCV000680849.1), dbSNP rs3789979, ClinGen allele CA13585651.

ClinVar aggregate classification (germline): Benign (1 of 4 stars; one submission).

Allele frequency attached by ClinVar (database versions not stated): 1000 Genomes Project 0.38019; 1000 Genomes Project 30x 0.39663; gnomAD 0.39789 and 0.40907; TOPMed 0.42426.
gnomAD v4.1: 60,368 of 152,024 alleles (40%); highest among the groups gnomAD compares: African/African-American, 71%; 14,989 homozygotes.

Submission:

GeneDx
Classification: Benign. Last evaluated: 2018-06-14. Review status: criteria provided, single submitter. Criteria: GeneDx Variant Classification (06012015). Collection method: clinical testing. Allele origin: germline. Affected: yes.
Comment: This variant is considered likely benign or benign based on one or more of the following criteria: it is a conservative change, it occurs at a poorly conserved position in the protein, it is predicted to be benign by multiple in silico algorithms, and/or has population frequency not consistent with disease.